The following is an entry in ClinVar:

NM_000817.3(GAD1):c.449G>T (p.Gly150Val)

Gene: GAD1 (glutamate decarboxylase 1; plus strand). Cytogenetic location: 2q31.1.
Variant type: single nucleotide variant.
Coding change: c.449G>T on transcript NM_000817.3 (MANE Select); coding-DNA position 449, G replaced by T.
Protein change: p.Gly150Val; replaces glycine 150 with valine.
Molecular consequence: missense variant.
Genome position (GRCh38, 1-based): chr2:170,831,094, G>T. VCF-style: chr2-170831094-G-T. GRCh37 (hg19) VCF-style: chr2-171687604-G-T.
Other names: c.449G>T, p.Gly150Val (NM_013445.4); short protein forms G150V.
Identifiers: ClinVar variation 1506964 (VCV001506964.8), dbSNP rs2105778502, ClinGen allele CA349272900.
Genomic context (GRCh38, chr2:170,831,094, plus strand): 5'-AGACATTTGATCGCTCCACCAAGGTGCTGGACTTTCATCACCCACACCAGTTGCTGGAAG[G>T]CATGGAGGGCTTCAACTTGGAGCTCTCTGACCACCCCGAGTCCCTGGAGCAGATCCTGGT-3'
Protein context (NP_000808.2, residues 140-160): DFHHPHQLLE[Gly150Val]MEGFNLELSD

ClinVar aggregate classification (germline): Uncertain significance (1 of 4 stars; one submission).

Conditions:
Neurodevelopmental disorder with progressive spasticity and brain white matter abnormalities. Also called: CEREBRAL PALSY, SPASTIC QUADRIPLEGIC, 1. Identifiers: Orphanet 210141, Orphanet 641353, MedGen C5436628, MONDO:0033613, OMIM 619026.

Allele frequency attached by ClinVar (database versions not stated): gnomAD exomes below 0.00001.
gnomAD v4.1: 1 of 1,614,228 alleles (0.000062%); highest among the groups gnomAD compares: South Asian, 0.0011%; no homozygotes.

Submission:

Labcorp Genetics (formerly Invitae), Labcorp
Classification: Uncertain significance for Neurodevelopmental disorder with progressive spasticity and brain white matter abnormalities. Last evaluated: 2021-12-02. Review status: criteria provided, single submitter. Criteria: Invitae Variant Classification Sherloc (09022015). Collection method: clinical testing. Allele origin: germline.
Comment: In summary, the available evidence is currently insufficient to determine the role of this variant in disease. Therefore, it has been classified as a Variant of Uncertain Significance. Algorithms developed to predict the effect of missense changes on protein structure and function (SIFT, PolyPhen-2, Align-GVGD) all suggest that this variant is likely to be tolerated. This variant has not been reported in the literature in individuals affected with GAD1-related conditions. This variant is not present in population databases (gnomAD no frequency). This sequence change replaces glycine, which is neutral and non-polar, with valine, which is neutral and non-polar, at codon 150 of the GAD1 protein (p.Gly150Val).